The following is an entry in ClinVar:

ClinVar aggregate classification (germline): Benign/Likely benign. Review status: criteria provided, multiple submitters, no conflicts (2 of 4 stars). 4 submissions from 4 submitters: Benign (1); Likely benign (3). Last evaluated 2026-01-31.

Conditions:
Birt-Hogg-Dube syndrome 1 (BHD1). Also called: FIBROFOLLICULOMAS WITH TRICHODISCOMAS AND ACROCHORDONS. Identifiers: Orphanet 122, MedGen CN375946, MONDO:0800445, OMIM 135150.
Hereditary cancer-predisposing syndrome. Also called: Hereditary neoplastic syndrome; Neoplastic Syndromes, Hereditary; Tumor predisposition; Hereditary Cancer Syndrome. Identifiers: Orphanet 140162, MedGen C0027672, MeSH D009386, MONDO:0015356.
Birt-Hogg-Dube syndrome. Also called: Birt Hogg Dubé syndrome. Identifiers: Orphanet 122, MedGen C0346010, MONDO:0800444.

Allele frequency attached by ClinVar (database versions not stated): gnomAD exomes 0.00002; TOPMed 0.00002; ExAC 0.00003; gnomAD 0.00003.
gnomAD v4.1: 33 of 1,612,944 alleles (0.002%); highest among the groups gnomAD compares: Middle Eastern, 0.016%; no homozygotes.

Submissions (4):

Labcorp Genetics (formerly Invitae), Labcorp
Classification: Likely benign for Birt-Hogg-Dube syndrome. Last evaluated: 2026-01-31. Review status: criteria provided, single submitter. Criteria: Invitae Variant Classification Sherloc (09022015). Collection method: clinical testing. Allele origin: germline.

Center for Genomic Medicine, Rigshospitalet, Copenhagen University Hospital
Classification: Likely benign. Last evaluated: 2025-03-04. Review status: criteria provided, single submitter. Criteria: ACMG Guidelines, 2015. Collection method: clinical testing. Allele origin: germline.

Myriad Genetics, Inc.
Classification: Benign for Birt-Hogg-Dube syndrome 1. Last evaluated: 2024-10-22. Review status: criteria provided, single submitter. Criteria: Myriad Autosomal Dominant, Autosomal Recessive and X-Linked Classification Criteria (2023). Collection method: clinical testing. Allele origin: unknown.
Comment: This variant is considered benign. This variant is a silent/synonymous amino acid change and it is not expected to impact splicing.

Ambry Genetics
Classification: Likely benign for Hereditary cancer-predisposing syndrome. Last evaluated: 2019-10-16. Review status: criteria provided, single submitter. Criteria: Ambry Variant Classification Scheme 2023. Collection method: clinical testing. Allele origin: germline.

NM_144997.7(FLCN):c.12C>T (p.Ile4=)

Gene: FLCN (folliculin; minus strand). Cytogenetic location: 17p11.2.
Variant type: single nucleotide variant.
Coding change: c.12C>T on transcript NM_144997.7 (MANE Select); coding-DNA position 12, C replaced by T.
Protein change: p.Ile4=; no amino-acid change (isoleucine 4 retained).
Molecular consequence: synonymous variant.
Genome position (GRCh38, 1-based): chr17:17,228,126, G>A on the plus strand (C>T on the coding strand, the complement: FLCN is on the minus strand). VCF-style: chr17-17228126-G-A. GRCh37 (hg19) VCF-style: chr17-17131440-G-A.
Other names: c.12C>T (LRG_325t1); c.12C>T, p.Ile4= (NM_001353229.2, NM_001353230.2, NM_001353231.2 and 1 more transcripts).
Identifiers: ClinVar variation 460589 (VCV000460589.21), dbSNP rs752123350, ClinGen allele CA8416540.